The following is an entry in ClinVar:

ClinVar aggregate classification (germline): Likely benign (1 of 4 stars; one submission).

Conditions:
PIEZO1-related disorder. Also called: PIEZO1-related condition; PIEZO1-Related Disorders.

gnomAD v4.1: 1 of 1,541,780 alleles (0.000065%); highest among the groups gnomAD compares: Non-Finnish European, 0.000088%; no homozygotes.

Submission:

PreventionGenetics, part of Exact Sciences
Classification: Likely benign for PIEZO1-related condition. Last evaluated: 2026-04-27. Review status: criteria provided, single submitter. Criteria: ACMG Guidelines, 2015. Collection method: clinical testing. Allele origin: germline.
Comment: This variant is classified as likely benign based on ACMG/AMP sequence variant interpretation guidelines (Richards et al. 2015 PMID: 25741868, with internal and published modifications).

NM_001142864.4(PIEZO1):c.2665-7T>C

Genes: HSALR1 (HSP90AB1 associated lncRNA 1; plus strand), PIEZO1 (piezo type mechanosensitive ion channel component 1 (Er blood group); minus strand). Cytogenetic location: 16q24.3.
Variant type: single nucleotide variant.
Coding change: c.2665-7T>C on transcript NM_001142864.4 (MANE Select); 7 bases into the intron before coding-DNA position 2665, T replaced by C.
Molecular consequence: intron variant.
Genome position (GRCh38, 1-based): chr16:88,732,739, A>G on the plus strand (T>C on the coding strand, the complement: PIEZO1 is on the minus strand). VCF-style: chr16-88732739-A-G. GRCh37 (hg19) VCF-style: chr16-88799147-A-G.
Identifiers: ClinVar variation 4991238 (VCV004991238.1).